The following is an entry in ClinVar:

NM_000264.5(PTCH1):c.3862C>G (p.Leu1288Val)

Gene: PTCH1 (patched 1; minus strand). Cytogenetic location: 9q22.32.
Variant type: single nucleotide variant.
Coding change: c.3862C>G on transcript NM_000264.5 (MANE Select); coding-DNA position 3862, C replaced by G.
Protein change: p.Leu1288Val; replaces leucine 1288 with valine.
Molecular consequence: missense variant. On other transcripts: non-coding transcript variant (1).
Genome position (GRCh38, 1-based): chr9:95,447,394, G>C on the plus strand (C>G on the coding strand, the complement: PTCH1 is on the minus strand). VCF-style: chr9-95447394-G-C. GRCh37 (hg19) VCF-style: chr9-98209676-G-C.
Other names: c.3664C>G, p.Leu1222Val (NM_001083602.3); c.3859C>G, p.Leu1287Val (NM_001083603.3); c.3409C>G, p.Leu1137Val (NM_001083604.3, NM_001083605.3, NM_001083606.3 and 1 more transcripts); c.3706C>G, p.Leu1236Val (NM_001354918.2); c.3862C>G (NM_000264.3); short protein forms L1137V, L1222V, L1236V, L1287V, L1288V.
Identifiers: ClinVar variation 657628 (VCV000657628.12), dbSNP rs1588512171, ClinGen allele CA374110768.

ClinVar aggregate classification (germline): Uncertain significance. Review status: criteria provided, multiple submitters, no conflicts (2 of 4 stars). 2 submissions from 2 submitters: Uncertain significance (2). Last evaluated 2025-03-10.

Conditions:
Hereditary cancer-predisposing syndrome. Also called: Neoplastic Syndromes, Hereditary; Hereditary neoplastic syndrome; Hereditary Cancer Syndrome; Tumor predisposition. Identifiers: Orphanet 140162, MedGen C0027672, MeSH D009386, MONDO:0015356.
Gorlin syndrome. Also called: Nevoid Basal Cell Carcinoma Syndrome; Basal cell nevus syndrome. Identifiers: Orphanet 377, MedGen C0004779, MONDO:0007187.

Submissions (2):

Ambry Genetics
Classification: Uncertain significance for Hereditary cancer-predisposing syndrome. Last evaluated: 2025-03-10. Review status: criteria provided, single submitter. Criteria: Ambry Variant Classification Scheme 2023. Collection method: clinical testing. Allele origin: germline.
Comment: The p.L1288V variant (also known as c.3862C>G), located in coding exon 23 of the PTCH1 gene, results from a C to G substitution at nucleotide position 3862. The leucine at codon 1288 is replaced by valine, an amino acid with highly similar properties. This amino acid position is conserved. In addition, this alteration is predicted to be tolerated by in silico analysis. Based on the available evidence, the clinical significance of this variant remains unclear.

Labcorp Genetics (formerly Invitae), Labcorp
Classification: Uncertain significance for Gorlin syndrome. Last evaluated: 2024-04-26. Review status: criteria provided, single submitter. Criteria: Invitae Variant Classification Sherloc (09022015). Collection method: clinical testing. Allele origin: germline.
Comment: This sequence change replaces leucine, which is neutral and non-polar, with valine, which is neutral and non-polar, at codon 1288 of the PTCH1 protein (p.Leu1288Val). This variant is not present in population databases (gnomAD no frequency). This variant has not been reported in the literature in individuals affected with PTCH1-related conditions. ClinVar contains an entry for this variant (Variation ID: 657628). Advanced modeling of protein sequence and biophysical properties (such as structural, functional, and spatial information, amino acid conservation, physicochemical variation, residue mobility, and thermodynamic stability) performed at Invitae indicates that this missense variant is not expected to disrupt PTCH1 protein function with a negative predictive value of 95%. In summary, the available evidence is currently insufficient to determine the role of this variant in disease. Therefore, it has been classified as a Variant of Uncertain Significance.